The following is an entry in ClinVar:

NM_015046.7(SETX):c.1505G>A (p.Arg502Gln)

Gene: SETX (senataxin; minus strand). Cytogenetic location: 9q34.13.
Variant type: single nucleotide variant.
Coding change: c.1505G>A on transcript NM_015046.7 (MANE Select); coding-DNA position 1505, G replaced by A.
Protein change: p.Arg502Gln; replaces arginine 502 with glutamine.
Molecular consequence: missense variant.
Genome position (GRCh38, 1-based): chr9:132,330,093, C>T on the plus strand (G>A on the coding strand, the complement: SETX is on the minus strand). VCF-style: chr9-132330093-C-T. GRCh37 (hg19) VCF-style: chr9-135205480-C-T.
Other names: c.1505G>A, p.Arg502Gln (NM_001351527.2, NM_001351528.2); short protein forms R502Q.
Identifiers: ClinVar variation 811166 (VCV000811166.13), dbSNP rs750044197, ClinGen allele CA5297761.
Genomic context (GRCh38, chr9:132,330,093, plus strand): 5'-GACAGTGAAGATATCATTGCTGTTCCTTTGGAGCAATTTCCAGATGATTTCTCAGAACTC[C>T]GTGTAAACGCAGTGGTAGGAAGCTTGGCACATTTGACGACGGCTTCCACCCATTGCTGGG-3'
Protein context (NP_055861.3, residues 492-512): CAKLPTTAFT[Arg502Gln]SSEKSSGNCS

ClinVar aggregate classification (germline): Conflicting classifications of pathogenicity. Review status: criteria provided, conflicting classifications (1 of 4 stars). 4 submissions from 3 submitters: Uncertain significance (3); Benign (1). Last evaluated 2023-02-08.

Conditions:
Spinocerebellar ataxia, autosomal recessive, with axonal neuropathy 2 (SCAN2). Also called: Ataxia-ocular apraxia-2; Ataxia with Oculomotor Apraxia; Ataxia with Oculomotor Apraxia Type 2; ATAXIA-OCULOMOTOR APRAXIA 2. Identifiers: Orphanet 64753, MedGen C1853761, MONDO:0018996, OMIM 606002.
Amyotrophic lateral sclerosis type 4 (ALS4). Also called: NEURONOPATHY, DISTAL HEREDITARY MOTOR, WITH PYRAMIDAL FEATURES; AMYOTROPHIC LATERAL SCLEROSIS 4, JUVENILE. Identifiers: Orphanet 357043, MedGen C1865409, MONDO:0011223, OMIM 602433.

Allele frequency attached by ClinVar (database versions not stated): gnomAD 0.00001; gnomAD exomes 0.00001 and 0.00002; TOPMed 0.00001; ExAC 0.00004.

Submissions (4):

Genome-Nilou Lab
Classification: Uncertain significance for Spinocerebellar ataxia, autosomal recessive, with axonal neuropathy 2. Last evaluated: 2023-02-08. Review status: criteria provided, single submitter. Criteria: ACMG Guidelines, 2015. Collection method: clinical testing. Allele origin: germline.

Genome-Nilou Lab
Classification: Uncertain significance for Amyotrophic lateral sclerosis type 4. Last evaluated: 2023-02-08. Review status: criteria provided, single submitter. Criteria: ACMG Guidelines, 2015. Collection method: clinical testing. Allele origin: germline.

Labcorp Genetics (formerly Invitae), Labcorp
Classification: Benign for Amyotrophic lateral sclerosis type 4; Spinocerebellar ataxia, autosomal recessive, with axonal neuropathy 2. Last evaluated: 2022-12-06. Review status: criteria provided, single submitter. Criteria: Invitae Variant Classification Sherloc (09022015). Collection method: clinical testing. Allele origin: germline.

ARUP Laboratories, Molecular Genetics and Genomics, ARUP Laboratories
Classification: Uncertain significance. Last evaluated: 2018-10-15. Review status: criteria provided, single submitter. Criteria: ARUP Molecular Germline Variant Investigation Process. Collection method: clinical testing. Allele origin: germline.
Comment: The STEX c.1505G>A; p.Arg502Gln variant (rs534723946), to our knowledge, is not reported in the medical literature or gene specific databases. This variant is found in the non-Finnish European population with an allele frequency of 0.0036% (4/111,582 alleles) in the Genome Aggregation Database. The arginine at codon 502 is moderately conserved, and computational analyses (SIFT, PolyPhen-2) predict that this variant is deleterious. Due to limited information, the clinical significance of the p.Arg502Gln variant is uncertain at this time.